The following is an entry in ClinVar:

ClinVar aggregate classification (germline): Uncertain significance (1 of 4 stars; one submission).

Allele frequency attached by ClinVar (database versions not stated): TOPMed 0.00002; 1000 Genomes Project 30x 0.00016; gnomAD 0.00001; gnomAD exomes 0.00004.

Submission:

GeneDx
Classification: Uncertain significance. Last evaluated: 2016-07-25. Review status: criteria provided, single submitter. Criteria: GeneDx Variant Classification (06012015). Collection method: clinical testing. Allele origin: germline. Affected: yes.
Comment: This variant is denoted POLE c.-45G>A and describes a nucleotide substitution 45 base pairs upstream of the ATG translational start site in the 5' untranslated region (UTR). The surrounding sequence, with the base that is substituted in braces, is GAGC[G/A]CGCC. This variant has not, to our knowledge, been published in the literature as pathogenic or benign. While this variant does not appear to affect the start codon or the Kozak translational consensus sequence, it is conserved across species. POLE c.-45G>A was not observed in approximately 6,500 individuals of European and African American ancestry in the NHLBI Exome Sequencing Project, suggesting it is not a common benign variant in these populations. Based on currently available information, it is unclear whether POLE c.-45G>A is pathogenic or benign. We consider it to be a variant of uncertain significance.

NM_006231.3(POLE):c.-45G>A

Genes: POLE (DNA polymerase epsilon, catalytic subunit; minus strand), LOC130009266 (ATAC-STARR-seq lymphoblastoid silent region 5123; plus strand). Cytogenetic location: 12q24.33.
Variant type: single nucleotide variant.
Coding change: c.-45G>A on transcript NM_006231.3; 45 bases upstream of the start codon, G replaced by A.
Genome position (GRCh38, 1-based): chr12:132,687,360, C>T on the plus strand (G>A on the coding strand, the complement: POLE is on the minus strand). VCF-style: chr12-132687360-C-T. GRCh37 (hg19) VCF-style: chr12-133263946-C-T.
Identifiers: ClinVar variation 421645 (VCV000421645.4), dbSNP rs1064795271, ClinGen allele CA16619491.